The following is an entry in ClinVar:

NM_017654.4(SAMD9):c.789T>G (p.His263Gln)

Gene: SAMD9 (sterile alpha motif domain containing 9; minus strand). Cytogenetic location: 7q21.2.
Variant type: single nucleotide variant.
Coding change: c.789T>G on transcript NM_017654.4 (MANE Select); coding-DNA position 789, T replaced by G.
Protein change: p.His263Gln; replaces histidine 263 with glutamine.
Molecular consequence: missense variant.
Genome position (GRCh38, 1-based): chr7:93,105,309, A>C on the plus strand (T>G on the coding strand, the complement: SAMD9 is on the minus strand). VCF-style: chr7-93105309-A-C. GRCh37 (hg19) VCF-style: chr7-92734622-A-C.
Other names: c.789T>G, p.His263Gln (NM_001193307.2); short protein forms H263Q.
Identifiers: ClinVar variation 4863814 (VCV004863814.1).
Genomic context (GRCh38, chr7:93,105,309, plus strand): 5'-GCACTTCTTTGCTTGTTGGACTTGATGGTCTTCAAAATACTTGTTTATCATCAGATTGAA[A>C]TGGTTAATGAGGGCTTCCTTGGTATCATTGGTGACTTTGATGCCAACAATTTTCCCATGG-3'
Protein context (NP_060124.2, residues 253-273): TNDTKEALIN[His263Gln]FNLMINKYFE

ClinVar aggregate classification (germline): Uncertain significance (1 of 4 stars; one submission).

Conditions:
Inborn genetic diseases. Identifiers: MedGen C0950123, MeSH D030342.

Submission:

Ambry Genetics
Classification: Uncertain significance for Inborn genetic diseases. Last evaluated: 2026-04-16. Review status: criteria provided, single submitter. Criteria: Ambry Variant Classification Scheme 2023. Collection method: clinical testing. Allele origin: germline.
Comment: The p.H263Q variant (also known as c.789T>G), located in coding exon 1 of the SAMD9 gene, results from a T to G substitution at nucleotide position 789. The histidine at codon 263 is replaced by glutamine, an amino acid with highly similar properties. This amino acid position is conserved. In addition, this alteration is predicted to be tolerated by in silico analysis. Based on the available evidence, the clinical significance of this variant remains unclear.